The following is an entry in ClinVar:

ClinVar aggregate classification (germline): Uncertain significance (1 of 4 stars; one submission).

Allele frequency attached by ClinVar (database versions not stated): gnomAD exomes below 0.00001.
gnomAD v4.1: 1 of 1,614,236 alleles (0.000062%); highest among the groups gnomAD compares: Non-Finnish European, 0.000085%; no homozygotes.

Submission:

Labcorp Genetics (formerly Invitae), Labcorp
Classification: Uncertain significance. Last evaluated: 2022-09-16. Review status: criteria provided, single submitter. Criteria: Invitae Variant Classification Sherloc (09022015). Collection method: clinical testing. Allele origin: germline.
Comment: This sequence change replaces isoleucine, which is neutral and non-polar, with valine, which is neutral and non-polar, at codon 1567 of the KIDINS220 protein (p.Ile1567Val). In summary, the available evidence is currently insufficient to determine the role of this variant in disease. Therefore, it has been classified as a Variant of Uncertain Significance. Algorithms developed to predict the effect of missense changes on protein structure and function (SIFT, PolyPhen-2, Align-GVGD) all suggest that this variant is likely to be tolerated. This variant has not been reported in the literature in individuals affected with KIDINS220-related conditions. This variant is not present in population databases (gnomAD no frequency).

NM_020738.4(KIDINS220):c.4699A>G (p.Ile1567Val)

Gene: KIDINS220 (kinase D interacting substrate 220; minus strand). Cytogenetic location: 2p25.1.
Variant type: single nucleotide variant.
Coding change: c.4699A>G on transcript NM_020738.4 (MANE Select); coding-DNA position 4699, A replaced by G.
Protein change: p.Ile1567Val; replaces isoleucine 1567 with valine.
Molecular consequence: missense variant. On other transcripts: intron variant (6).
Genome position (GRCh38, 1-based): chr2:8,731,337, T>C on the plus strand (A>G on the coding strand, the complement: KIDINS220 is on the minus strand). VCF-style: chr2-8731337-T-C. GRCh37 (hg19) VCF-style: chr2-8871467-T-C.
Other names: c.4702A>G, p.Ile1568Val (NM_001348729.2); c.4645A>G, p.Ile1549Val (NM_001348731.2); c.4642A>G, p.Ile1548Val (NM_001348732.2); c.4531A>G, p.Ile1511Val (NM_001348734.2); c.4528A>G, p.Ile1510Val (NM_001348735.2); c.4402A>G, p.Ile1468Val (NM_001348736.2); c.3882+2107A>G (NM_001348741.2, NM_001348742.2, NM_001348743.2); c.3996+2107A>G (NM_001348738.2); and 1 more; short protein forms I1549V, I1567V, I1510V, I1548V, I1568V, I1468V, I1511V.
Identifiers: ClinVar variation 1922141 (VCV001922141.5), dbSNP rs2527398249, ClinGen allele CA345763141.